The following is an entry in ClinVar:

NM_000112.4(SLC26A2):c.1381G>T (p.Ala461Ser)

Gene: SLC26A2 (solute carrier family 26 member 2; plus strand). Cytogenetic location: 5q32.
Variant type: single nucleotide variant.
Coding change: c.1381G>T on transcript NM_000112.4 (MANE Select); coding-DNA position 1381, G replaced by T.
Protein change: p.Ala461Ser; replaces alanine 461 with serine.
Molecular consequence: missense variant.
Genome position (GRCh38, 1-based): chr5:149,980,974, G>T. VCF-style: chr5-149980974-G-T. GRCh37 (hg19) VCF-style: chr5-149360537-G-T.
Other names: short protein forms A461S.
Identifiers: ClinVar variation 2933359 (VCV002933359.1), dbSNP rs775667788, ClinGen allele CA3505428.

ClinVar aggregate classification (germline): Uncertain significance (1 of 4 stars; one submission).

Conditions:
Achondrogenesis, type IB (ACG1B). Also called: Achondrogenesis Type 1B. Identifiers: Orphanet 932, Orphanet 93298, MedGen C0265274, MONDO:0010966, OMIM 600972.
Diastrophic dysplasia (DTD). Also called: Diastrophic dwarfism. Identifiers: Orphanet 628, MedGen C0220726, MONDO:0009107, OMIM 222600.
Multiple epiphyseal dysplasia type 4 (EDM4). Also called: Multiple Epiphyseal Dysplasia, Recessive; MULTIPLE EPIPHYSEAL DYSPLASIA WITH BILAYERED PATELLAE; MULTIPLE EPIPHYSEAL DYSPLASIA WITH CLUBFOOT; MULTIPLE EPIPHYSEAL DYSPLASIA, AUTOSOMAL RECESSIVE; SLC26A2-Related Multiple Epiphyseal Dysplasia. Identifiers: Orphanet 93307, MedGen C1847593, MONDO:0009189, OMIM 226900.
Atelosteogenesis type II (AO2). Also called: NEONATAL OSSEOUS DYSPLASIA I; Neonatal osseous dysplasia 1; SLC26A2-Related Atelosteogenesis. Identifiers: Orphanet 56304, MedGen C1850554, MONDO:0009727, OMIM 256050.

Allele frequency attached by ClinVar (database versions not stated): gnomAD exomes below 0.00001; ExAC 0.00001.
gnomAD v4.1: 1 of 1,614,126 alleles (0.000062%); highest among the groups gnomAD compares: Non-Finnish European, 0.000085%; no homozygotes.

Submission:

Labcorp Genetics (formerly Invitae), Labcorp
Classification: Uncertain significance for Atelosteogenesis type II; Multiple epiphyseal dysplasia type 4; Achondrogenesis, type IB; Diastrophic dysplasia. Last evaluated: 2023-12-28. Review status: criteria provided, single submitter. Criteria: Invitae Variant Classification Sherloc (09022015). Collection method: clinical testing. Allele origin: germline.
Comment: This sequence change replaces alanine, which is neutral and non-polar, with serine, which is neutral and polar, at codon 461 of the SLC26A2 protein (p.Ala461Ser). This variant is present in population databases (rs775667788, gnomAD 0.0009%). This variant has not been reported in the literature in individuals affected with SLC26A2-related conditions. Advanced modeling of protein sequence and biophysical properties (such as structural, functional, and spatial information, amino acid conservation, physicochemical variation, residue mobility, and thermodynamic stability) performed at Invitae indicates that this missense variant is not expected to disrupt SLC26A2 protein function with a negative predictive value of 80%. In summary, the available evidence is currently insufficient to determine the role of this variant in disease. Therefore, it has been classified as a Variant of Uncertain Significance.